The following is an entry in ClinVar:

ClinVar aggregate classification (germline): Pathogenic (1 of 4 stars; one submission).

Submission:

GeneDx
Classification: Pathogenic. Last evaluated: 2017-10-03. Review status: criteria provided, single submitter. Criteria: GeneDx Variant Classification (06012015). Collection method: clinical testing. Allele origin: germline. Affected: yes.
Comment: The c.9383delT variant in the KMT2A gene has not been reported previously as a pathogenic variant nor as a benign variant, to our knowledge. The c.9383delT variant causes a frameshift starting with codon Methionine 3128, changes this amino acid to an Arginine residue, and creates a premature Stop codon at position 11 of the new reading frame, denoted p.M3128RfsX11. This variant is predicted to cause loss of normal protein function either through protein truncation or nonsense-mediated mRNA decay. The c.9383delT variant is not observed in large population cohorts (Lek et al., 2016). We interpret c.9383delT as a pathogenic variant.

NM_001197104.2(KMT2A):c.9383del (p.Met3128fs)

Gene: KMT2A (lysine methyltransferase 2A; plus strand). Cytogenetic location: 11q23.3.
Variant type: Deletion.
Coding change: c.9383del on transcript NM_001197104.2 (MANE Select); coding-DNA position 9383, one base deleted (T; older notation c.9383delT).
Protein change: p.Met3128fs; shifts the reading frame from methionine 3128.
Molecular consequence: frameshift variant.
Genome position (GRCh38, 1-based): chr11:118,505,275, T deleted. VCF-style (leftmost placement, unchanged base first): chr11-118505274-AT-A. GRCh37 (hg19) VCF-style: chr11-118375989-AT-A.
Other names: c.9374del, p.Met3125fs (NM_005933.4); c.9383delT (NM_001197104.1); short protein forms M3125fs, M3128fs.
Identifiers: ClinVar variation 452382 (VCV000452382.2), dbSNP rs1555047647, ClinGen allele CA658658111.
Genomic context (GRCh38, chr11:118,505,274, plus strand): 5'-ACCTCTTCTGTTAGTTCTACACCCAGTGTGATGGAGACAAATACTTCAGTATTGGGACCC[AT>A]GGGAGGTGGTCTCACCCTTACCACAGGACTAAATCCAAGCTTGCCAACTTCTCAATCTTT-3'